The following is an entry in ClinVar:

NM_033400.3(ZFHX2):c.3596C>G (p.Ser1199Cys)

Genes: ZFHX2 (zinc finger homeobox 2; minus strand), THTPA (thiamine triphosphatase; plus strand). Cytogenetic location: 14q11.2.
Variant type: single nucleotide variant.
Coding change: c.3596C>G on transcript NM_033400.3 (MANE Select); coding-DNA position 3596, C replaced by G.
Protein change: p.Ser1199Cys; replaces serine 1199 with cysteine.
Molecular consequence: missense variant.
Genome position (GRCh38, 1-based): chr14:23,526,346, G>C on the plus strand (C>G on the coding strand, the complement: ZFHX2 is on the minus strand). VCF-style: chr14-23526346-G-C. GRCh37 (hg19) VCF-style: chr14-23995555-G-C.
Other names: short protein forms S1199C.
Identifiers: ClinVar variation 3905871 (VCV003905871.10).

ClinVar aggregate classification (germline): Uncertain significance (1 of 4 stars; one submission).

gnomAD v4.1: 1 of 1,536,280 alleles (0.000065%); highest among the groups gnomAD compares: Non-Finnish European, 0.000087%; no homozygotes.

Submission:

CeGaT Center for Human Genetics Tuebingen
Classification: Uncertain significance. Last evaluated: 2025-05-01. Review status: criteria provided, single submitter. Criteria: CeGaT Center For Human Genetics Tuebingen Variant Classification Criteria Version 2. Collection method: clinical testing. Allele origin: germline. Affected: yes. Observed: 1 variant allele.
Comment: ZFHX2: PM2, PP2